The following is an entry in ClinVar:

NM_006420.3(ARFGEF2):c.1398T>C (p.Phe466=)

Gene: ARFGEF2 (ARF guanine nucleotide exchange factor 2; plus strand). Cytogenetic location: 20q13.13.
Variant type: single nucleotide variant.
Coding change: c.1398T>C on transcript NM_006420.3 (MANE Select); coding-DNA position 1398, T replaced by C.
Protein change: p.Phe466=; no amino-acid change (phenylalanine 466 retained).
Molecular consequence: synonymous variant.
Genome position (GRCh38, 1-based): chr20:48,971,327, T>C. VCF-style: chr20-48971327-T-C. GRCh37 (hg19) VCF-style: chr20-47587864-T-C.
Identifiers: ClinVar variation 128431 (VCV000128431.17), dbSNP rs141596938, ClinGen allele CA151884.
Genomic context (GRCh38, chr20:48,971,327, plus strand): 5'-TTCAGTGCCTGATGTCTTTGAGCTCTCTCTTGCCATTTTTCTTACTCTTCTTTCAAACTT[T>C]AAAATGCACTTGAAAATGCAGATAGAGGTACGGATTCCAAAGTTTTTTCATTTCATTATT-3'
Protein context (NP_006411.2, residues 456-476): LAIFLTLLSN[Phe466=]KMHLKMQIEV

ClinVar aggregate classification (germline): Benign/Likely benign. Review status: criteria provided, multiple submitters, no conflicts (2 of 4 stars). 3 submissions from 3 submitters: Benign (1); Likely benign (1). 1 of the submissions does not count toward it. Last evaluated 2026-01-08.

Conditions:
ARFGEF2-related disorder. Also called: ARFGEF2-related condition.

Allele frequency attached by ClinVar (database versions not stated): 1000 Genomes Project 0.00140; gnomAD exomes 0.00022; ESP Exome Variant Server 0.00077; gnomAD 0.00078 and 0.00081; TOPMed 0.00083; 1000 Genomes Project 30x 0.00125; ExAC 0.00021.
gnomAD v4.1: 224 of 1,614,188 alleles (0.014%); highest among the groups gnomAD compares: African/African-American, 0.28%; 3 homozygotes.

Submissions (3):

Labcorp Genetics (formerly Invitae), Labcorp
Classification: Likely benign. Last evaluated: 2026-01-08. Review status: criteria provided, single submitter. Criteria: Invitae Variant Classification Sherloc (09022015). Collection method: clinical testing. Allele origin: germline.

Genetic Services Laboratory, University of Chicago
Classification: Benign for AllHighlyPenetrant. Last evaluated: 2014-03-03. Review status: criteria provided, single submitter. Criteria: ACMG Guidelines, 2007. Collection method: clinical testing. Allele origin: germline. Inheritance: Autosomal recessive inheritance.

PreventionGenetics, part of Exact Sciences
Classification: Likely benign for ARFGEF2-related condition. Last evaluated: 2022-05-02. Review status: no assertion criteria provided. Collection method: clinical testing. Allele origin: germline. Not counted in ClinVar's aggregate classification.
Comment: This variant is classified as likely benign based on ACMG/AMP sequence variant interpretation guidelines (Richards et al. 2015 PMID: 25741868, with internal and published modifications).